The following is an entry in ClinVar:

ClinVar aggregate classification (germline): Uncertain significance (1 of 4 stars; one submission).

Conditions:
Autosomal recessive limb-girdle muscular dystrophy type 2J (LGMDR10). Also called: Limb-girdle muscular dystrophy, type 2J; MUSCULAR DYSTROPHY, LIMB-GIRDLE, AUTOSOMAL RECESSIVE 10. Identifiers: Orphanet 140922, MedGen C1837342, MONDO:0012127, OMIM 608807.
Dilated cardiomyopathy 1G (CMD1G). Identifiers: Orphanet 154, MedGen C1858763, MONDO:0011400, OMIM 604145.

Submission:

Labcorp Genetics (formerly Invitae), Labcorp
Classification: Uncertain significance for Dilated cardiomyopathy 1G; Autosomal recessive limb-girdle muscular dystrophy type 2J. Last evaluated: 2024-05-17. Review status: criteria provided, single submitter. Criteria: Invitae Variant Classification Sherloc (09022015). Collection method: clinical testing. Allele origin: germline.
Comment: This sequence change replaces arginine, which is basic and polar, with lysine, which is basic and polar, at codon 34952 of the TTN protein (p.Arg34952Lys). This variant is not present in population databases (gnomAD no frequency). This variant has not been reported in the literature in individuals affected with TTN-related conditions. Experimental studies and prediction algorithms are not available or were not evaluated, and the functional significance of this variant is currently unknown. This variant is located in the M band of TTN (PMID: 25589632). Non-truncating variants in this region may be relevant for neuromuscular disorders, but have not been definitively shown to cause cardiomyopathy (PMID: 23975875). In summary, the available evidence is currently insufficient to determine the role of this variant in disease. Therefore, it has been classified as a Variant of Uncertain Significance.

Literature cited by the submitters: PubMed 25589632; PubMed 23975875.

NM_001267550.2(TTN):c.104855G>A (p.Arg34952Lys)

Genes: TTN-AS1 (TTN antisense RNA 1; plus strand), TTN (titin; minus strand). Cytogenetic location: 2q31.2.
Variant type: single nucleotide variant.
Coding change: c.104855G>A on transcript NM_001267550.2 (MANE Select); coding-DNA position 104855, G replaced by A.
Protein change: p.Arg34952Lys; replaces arginine 34952 with lysine.
Molecular consequence: missense variant.
Genome position (GRCh38, 1-based): chr2:178,531,760, C>T on the plus strand (G>A on the coding strand, the complement: TTN is on the minus strand). VCF-style: chr2-178531760-C-T. GRCh37 (hg19) VCF-style: chr2-179396487-C-T.
Other names: c.99932G>A, p.Arg33311Lys (NM_001256850.1); c.77660G>A, p.Arg25887Lys (NM_003319.4); c.97151G>A, p.Arg32384Lys (NM_133378.4); c.78035G>A, p.Arg26012Lys (NM_133432.3); c.78236G>A, p.Arg26079Lys (NM_133437.4); short protein forms R25887K, R26012K, R26079K, R32384K, R33311K, R34952K.
Identifiers: ClinVar variation 3751086 (VCV003751086.2).
Genomic context (GRCh38, chr2:178,531,760, plus strand): 5'-TCGGCAGTTGGCTTAGACTGAACATTTAAAATAAAACGTGTATTTTGGCCACATGGTACC[C>T]TGTGCGAGCGCATTCTCAGTGTGATTCGAGGGGCATGGTCCAGTGTGAAAGGCTGCTGAC-3'
Protein context (NP_001254479.2, residues 34942-34962): PRITLRMRSH[Arg34952Lys]VPCGQNTRFI